The following is an entry in ClinVar:

ClinVar aggregate classification (germline): Likely pathogenic. Review status: criteria provided, multiple submitters, no conflicts (2 of 4 stars). 2 submissions from 2 submitters: Likely pathogenic (2). Last evaluated 2023-10-04.

Conditions:
Arrhythmogenic cardiomyopathy with wooly hair and keratoderma. Also called: PALMOPLANTAR KERATODERMA WITH LEFT VENTRICULAR CARDIOMYOPATHY AND WOOLLY HAIR; Arrhythmogenic cardiomyopathy with woolly hair and keratoderma; Carvajal syndrome; Dilated cardiomyopathy with woolly hair and keratoderma. Identifiers: Orphanet 65282, MedGen C1854063, MONDO:0011581, OMIM 605676.
Arrhythmogenic right ventricular dysplasia 8 (ARVD8). Also called: Arrhythmogenic Right Ventricular Dysplasia/Cardiomyopathy 8; ARRHYTHMOGENIC RIGHT VENTRICULAR DYSPLASIA, FAMILIAL, 8; ARRHYTHMOGENIC RIGHT VENTRICULAR CARDIOMYOPATHY 8. Identifiers: MedGen C1843896, MONDO:0011831, OMIM 607450.
Cardiomyopathy, dilated, with wooly hair, keratoderma, and tooth agenesis. Also called: Cardiomyopathy, dilated, with woolly hair, keratoderma, and tooth agenesis; Erythrokeratodermia-cardiomyopathy syndrome. Identifiers: Orphanet 476096, Orphanet 65282, MedGen C4014393, MONDO:0014355, OMIM 615821.

Submissions (2):

Labcorp Genetics (formerly Invitae), Labcorp
Classification: Likely pathogenic for Arrhythmogenic cardiomyopathy with wooly hair and keratoderma; Arrhythmogenic right ventricular dysplasia 8. Last evaluated: 2023-10-04. Review status: criteria provided, single submitter. Criteria: Invitae Variant Classification Sherloc (09022015). Collection method: clinical testing. Allele origin: germline.
Comment: This sequence change affects a donor splice site in intron 3 of the DSP gene. It is expected to disrupt RNA splicing. Variants that disrupt the donor or acceptor splice site typically lead to a loss of protein function (PMID: 16199547), and loss-of-function variants in DSP are known to be pathogenic (PMID: 20716751, 24503780, 25227139). This variant is not present in population databases (gnomAD no frequency). This variant has not been reported in the literature in individuals affected with DSP-related conditions. Algorithms developed to predict the effect of sequence changes on RNA splicing suggest that this variant may disrupt the consensus splice site. In summary, the currently available evidence indicates that the variant is pathogenic, but additional data are needed to prove that conclusively. Therefore, this variant has been classified as Likely Pathogenic.

Center for Human Genetics and Genomic Medicine, Uniklinik Rwth Aachen
Classification: Likely pathogenic for Cardiomyopathy, dilated, with wooly hair, keratoderma, and tooth agenesis. Last evaluated: 2023-07-19. Review status: criteria provided, single submitter. Criteria: ACMG Guidelines, 2015. Collection method: clinical testing. Allele origin: unknown. Inheritance: Autosomal dominant inheritance. Affected: yes. Observed: 1 heterozygote.
Comment: The variant is absent from healthy controls (gnomAD v2.1.1) and has not been reported in individuals with cardiomyopathy. It affects the canonical splice site and therefore likely alters splicing. LOF is a known mechanism of DSP-related disease. Therefore, this variant has been classified as likely pathogenic.

Literature cited by the submitters: PubMed 16199547 (cited by Labcorp Genetics (formerly Invitae), Labcorp); PubMed 20716751 (cited by Labcorp Genetics (formerly Invitae), Labcorp); PubMed 24503780 (cited by Labcorp Genetics (formerly Invitae), Labcorp); PubMed 25227139 (cited by Labcorp Genetics (formerly Invitae), Labcorp).

NM_004415.4(DSP):c.422+1G>A

Gene: DSP (desmoplakin; plus strand). Cytogenetic location: 6p24.3.
Variant type: single nucleotide variant.
Coding change: c.422+1G>A on transcript NM_004415.4 (MANE Select); the canonical splice donor site of the intron after coding-DNA position 422, G replaced by A.
Molecular consequence: splice donor variant.
Genome position (GRCh38, 1-based): chr6:7,558,265, G>A. VCF-style: chr6-7558265-G-A. GRCh37 (hg19) VCF-style: chr6-7558498-G-A.
Other names: c.422+1G>A (NM_001319034.2, NM_001008844.3, NM_001406591.1).
Identifiers: ClinVar variation 2664078 (VCV002664078.4), dbSNP rs2533849798, ClinGen allele CA362671460.